The following is an entry in ClinVar:

NM_004006.3(DMD):c.6391C>T (p.Gln2131Ter)

Gene: DMD (dystrophin; minus strand). Cytogenetic location: Xp21.1.
Variant type: single nucleotide variant.
Coding change: c.6391C>T on transcript NM_004006.3 (MANE Select); coding-DNA position 6391, C replaced by T.
Protein change: p.Gln2131Ter; replaces glutamine 2131 with a stop codon.
Molecular consequence: nonsense.
Genome position (GRCh38, 1-based): chrX:32,216,963, G>A on the plus strand (C>T on the coding strand, the complement: DMD is on the minus strand). VCF-style: chrX-32216963-G-A. GRCh37 (hg19) VCF-style: chrX-32235080-G-A.
Other names: c.6367C>T, p.Gln2123Ter (NM_000109.4); c.6379C>T, p.Gln2127Ter (NM_004009.3); c.6022C>T, p.Gln2008Ter (NM_004010.3); c.2368C>T, p.Gln790Ter (NM_004011.4); c.2359C>T, p.Gln787Ter (NM_004012.4); short protein forms Q2008*, Q2123*, Q2127*, Q2131*, Q787*, Q790*.
Identifiers: ClinVar variation 3724153 (VCV003724153.2), dbSNP rs2147865360.

ClinVar aggregate classification (germline): Pathogenic (1 of 4 stars; one submission).

Conditions:
Duchenne muscular dystrophy (DMD). Also called: Duchenne Muscular Dystrophy (DMD); MUSCULAR DYSTROPHY, PSEUDOHYPERTROPHIC PROGRESSIVE, DUCHENNE TYPE. Identifiers: Orphanet 98896, MedGen C0013264, MONDO:0010679, OMIM 310200.

Submission:

Labcorp Genetics (formerly Invitae), Labcorp
Classification: Pathogenic for Duchenne muscular dystrophy. Last evaluated: 2024-05-21. Review status: criteria provided, single submitter. Criteria: Invitae Variant Classification Sherloc (09022015). Collection method: clinical testing. Allele origin: germline.
Comment: This sequence change creates a premature translational stop signal (p.Gln2131*) in the DMD gene. It is expected to result in an absent or disrupted protein product. Loss-of-function variants in DMD are known to be pathogenic (PMID: 16770791, 25007885). This variant is not present in population databases (gnomAD no frequency). This premature translational stop signal has been observed in individual(s) with Duchenne muscular dystrophy (PMID: 15723292). For these reasons, this variant has been classified as Pathogenic.

Literature cited by the submitters: PubMed 16770791; PubMed 25007885; PubMed 15723292.